The following is an entry in ClinVar:

NM_020949.3(SLC7A14):c.1027G>C (p.Val343Leu)

Genes: SLC7A14 (solute carrier family 7 member 14; minus strand), SLC7A14-AS1 (SLC7A14 antisense RNA 1; plus strand). Cytogenetic location: 3q26.2.
Variant type: single nucleotide variant.
Coding change: c.1027G>C on transcript NM_020949.3 (MANE Select); coding-DNA position 1027, G replaced by C.
Protein change: p.Val343Leu; replaces valine 343 with leucine.
Molecular consequence: missense variant.
Genome position (GRCh38, 1-based): chr3:170,483,402, C>G on the plus strand (G>C on the coding strand, the complement: SLC7A14 is on the minus strand). VCF-style: chr3-170483402-C-G. GRCh37 (hg19) VCF-style: chr3-170201191-C-G.
Other names: short protein forms V343L.
Identifiers: ClinVar variation 2876118 (VCV002876118.3), dbSNP rs367972904, ClinGen allele CA2701741.
Genomic context (GRCh38, chr3:170,483,402, plus strand): 5'-CATAAATGACCCTCGGCATCGGGAAGAGGGACCCCAGCAAGCTGACTGTCAGTCCTGCAA[C>G]CGACCCAATGGCCACTACGAATTTGGCAGCATAGAACCCATGAGCCACAAACATCTCCAT-3'
Protein context (NP_066000.2, residues 333-353): AAKFVVAIGS[Val343Leu]AGLTVSLLGS

ClinVar aggregate classification (germline): Uncertain significance (1 of 4 stars; one submission).

Allele frequency attached by ClinVar (database versions not stated): TOPMed below 0.00001; gnomAD 0.00001; gnomAD exomes 0.00001; ExAC 0.00002; ESP Exome Variant Server 0.00008; 1000 Genomes Project 30x 0.00016; 1000 Genomes Project 0.00020.
gnomAD v4.1: 9 of 1,614,214 alleles (0.00056%); highest among the groups gnomAD compares: Non-Finnish European, 0.00076%; no homozygotes.

Submission:

Labcorp Genetics (formerly Invitae), Labcorp
Classification: Uncertain significance. Last evaluated: 2023-10-18. Review status: criteria provided, single submitter. Criteria: Invitae Variant Classification Sherloc (09022015). Collection method: clinical testing. Allele origin: germline.
Comment: This sequence change replaces valine, which is neutral and non-polar, with leucine, which is neutral and non-polar, at codon 343 of the SLC7A14 protein (p.Val343Leu). This variant is present in population databases (rs367972904, gnomAD 0.004%). This variant has not been reported in the literature in individuals affected with SLC7A14-related conditions. An algorithm developed to predict the effect of missense changes on protein structure and function (PolyPhen-2) suggests that this variant is likely to be tolerated. In summary, the available evidence is currently insufficient to determine the role of this variant in disease. Therefore, it has been classified as a Variant of Uncertain Significance.